The following is an entry in ClinVar:

NM_001379081.2(FREM1):c.6348C>T (p.Asn2116=)

Gene: FREM1 (FRAS1 related extracellular matrix 1; minus strand). Cytogenetic location: 9p22.3.
Variant type: single nucleotide variant.
Coding change: c.6348C>T on transcript NM_001379081.2 (MANE Select); coding-DNA position 6348, C replaced by T.
Protein change: p.Asn2116=; no amino-acid change (asparagine 2116 retained).
Molecular consequence: synonymous variant. On other transcripts: nonsense (1), non-coding transcript variant (3).
Genome position (GRCh38, 1-based): chr9:14,737,588, G>A on the plus strand (C>T on the coding strand, the complement: FREM1 is on the minus strand). VCF-style: chr9-14737588-G-A. GRCh37 (hg19) VCF-style: chr9-14737586-G-A.
Other names: c.1956C>T, p.Asn652= (NM_001177704.3, NM_001370061.2); c.1690C>T, p.Arg564Ter (NM_001370058.2); c.6348C>T, p.Asn2116= (NM_144966.7); short protein forms R564*.
Identifiers: ClinVar variation 3046710 (VCV003046710.5), dbSNP rs748519647, ClinGen allele CA4989415.
Genomic context (GRCh38, chr9:14,737,588, plus strand): 5'-ATTGGTGAAGGCAACAGGTTCACCACCGATCCACTCCCAGTGGCCAGCATGCACTTGGTC[G>A]TTCAAACCTAATGTGAACCAAAAGAATGTACCAATTACTTTTATTGCGTTTATACTTAGA-3'
Protein context (NP_001366010.1, residues 2106-2126): GGRKSFWIGL[Asn2116=]DQVHAGHWEW

ClinVar aggregate classification (germline): Likely benign. Review status: criteria provided, multiple submitters, no conflicts (2 of 4 stars). 3 submissions from 3 submitters: Likely benign (2). 1 of the submissions does not count toward it. Last evaluated 2026-09-01.

Conditions:
FREM1-related disorder. Also called: FREM1-Related Disorders; FREM1-related condition.

Allele frequency attached by ClinVar (database versions not stated): gnomAD 0.00001; TOPMed 0.00001; ExAC 0.00008.
gnomAD v4.1: 19 of 1,557,576 alleles (0.0012%); highest among the groups gnomAD compares: Middle Eastern, 0.034%; no homozygotes.

Submissions (3):

CeGaT Center for Human Genetics Tuebingen
Classification: Likely benign. Last evaluated: 2026-09-01. Review status: criteria provided, single submitter. Criteria: CeGaT Center For Human Genetics Tuebingen Variant Classification Criteria Version 2. Collection method: clinical testing. Allele origin: germline. Affected: yes. Observed: 1 variant allele.
Comment: FREM1: BP4, BP7

Labcorp Genetics (formerly Invitae), Labcorp
Classification: Likely benign. Last evaluated: 2025-06-12. Review status: criteria provided, single submitter. Criteria: Invitae Variant Classification Sherloc (09022015). Collection method: clinical testing. Allele origin: germline.

PreventionGenetics, part of Exact Sciences
Classification: Likely benign for FREM1-related condition. Last evaluated: 2019-03-25. Review status: no assertion criteria provided. Collection method: clinical testing. Allele origin: germline. Not counted in ClinVar's aggregate classification.
Comment: This variant is classified as likely benign based on ACMG/AMP sequence variant interpretation guidelines (Richards et al. 2015 PMID: 25741868, with internal and published modifications).